The following is an entry in ClinVar:

NM_000153.4(GALC):c.145G>C (p.Asp49His)

Genes: GALC (galactosylceramidase; minus strand), LOC130056217 (ATAC-STARR-seq lymphoblastoid silent region 5988; plus strand). Cytogenetic location: 14q31.3.
Variant type: single nucleotide variant.
Coding change: c.145G>C on transcript NM_000153.4 (MANE Select); coding-DNA position 145, G replaced by C.
Protein change: p.Asp49His; replaces aspartic acid 49 with histidine.
Molecular consequence: missense variant. On other transcripts: intron variant (1).
Genome position (GRCh38, 1-based): chr14:87,993,020, C>G on the plus strand (G>C on the coding strand, the complement: GALC is on the minus strand). VCF-style: chr14-87993020-C-G. GRCh37 (hg19) VCF-style: chr14-88459364-C-G.
Other names: c.145G>C, p.Asp49His (NM_001201401.2); c.117+363G>C (NM_001201402.2); short protein forms D49H.
Identifiers: ClinVar variation 1386595 (VCV001386595.6), dbSNP rs2139769302, ClinGen allele CA390771746.

ClinVar aggregate classification (germline): Uncertain significance (1 of 4 stars; one submission).

Conditions:
Galactosylceramide beta-galactosidase deficiency. Also called: Krabbe Disease; Leukodystrophy, Globoid Cell; GALACTOCEREBROSIDASE DEFICIENCY; GALC DEFICIENCY; GLOBOID CELL LEUKOENCEPHALOPATHY. Identifiers: Orphanet 487, MedGen C0023521, MONDO:0009499, OMIM 245200.

Submission:

Labcorp Genetics (formerly Invitae), Labcorp
Classification: Uncertain significance for Galactosylceramide beta-galactosidase deficiency. Last evaluated: 2021-12-02. Review status: criteria provided, single submitter. Criteria: Invitae Variant Classification Sherloc (09022015). Collection method: clinical testing. Allele origin: germline.
Comment: In summary, the available evidence is currently insufficient to determine the role of this variant in disease. Therefore, it has been classified as a Variant of Uncertain Significance. Advanced modeling of protein sequence and biophysical properties (such as structural, functional, and spatial information, amino acid conservation, physicochemical variation, residue mobility, and thermodynamic stability) performed at Invitae indicates that this missense variant is not expected to disrupt GALC protein function. This variant has not been reported in the literature in individuals affected with GALC-related conditions. This variant is not present in population databases (gnomAD no frequency). This sequence change replaces aspartic acid, which is acidic and polar, with histidine, which is basic and polar, at codon 49 of the GALC protein (p.Asp49His).